The following is an entry in ClinVar:

ClinVar aggregate classification (germline): Pathogenic (1 of 4 stars; one submission).

Allele frequency attached by ClinVar (database versions not stated): TOPMed below 0.00001; ExAC 0.00001; ESP Exome Variant Server 0.00008.

Submission:

GeneDx
Classification: Pathogenic. Last evaluated: 2023-01-10. Review status: criteria provided, single submitter. Criteria: GeneDx Variant Classification Process June 2021. Collection method: clinical testing. Allele origin: germline. Affected: yes.
Comment: Nonsense variant predicted to result in protein truncation or nonsense mediated decay in a gene for which loss-of-function is a known mechanism of disease; Not observed in large population cohorts (gnomAD); Has not been previously published as pathogenic or benign to our knowledge

NM_001258392.3(CLPB):c.1014G>A (p.Trp338Ter)

Gene: CLPB (ClpB family mitochondrial disaggregase; minus strand). Cytogenetic location: 11q13.4.
Variant type: single nucleotide variant.
Coding change: c.1014G>A on transcript NM_001258392.3 (MANE Select); coding-DNA position 1014, G replaced by A.
Protein change: p.Trp338Ter; replaces tryptophan 338 with a stop codon.
Molecular consequence: nonsense.
Genome position (GRCh38, 1-based): chr11:72,308,579, C>T on the plus strand (G>A on the coding strand, the complement: CLPB is on the minus strand). VCF-style: chr11-72308579-C-T. GRCh37 (hg19) VCF-style: chr11-72019623-C-T.
Other names: c.927G>A, p.Trp309Ter (NM_001258393.3); c.969G>A, p.Trp323Ter (NM_001258394.3); c.1104G>A, p.Trp368Ter (NM_030813.6); short protein forms W309*, W323*, W338*, W368*.
Identifiers: ClinVar variation 2504553 (VCV002504553.1), dbSNP rs373725163, ClinGen allele CA6171295.